The following is an entry in ClinVar:

NM_000455.5(STK11):c.375-2A>G

Gene: STK11 (serine/threonine kinase 11; plus strand). Cytogenetic location: 19p13.3.
Variant type: single nucleotide variant.
Coding change: c.375-2A>G on transcript NM_000455.5 (MANE Select); the canonical splice acceptor site of the intron before coding-DNA position 375, A replaced by G.
Molecular consequence: splice acceptor variant.
Genome position (GRCh38, 1-based): chr19:1,219,322, A>G. VCF-style: chr19-1219322-A-G. GRCh37 (hg19) VCF-style: chr19-1219321-A-G.
Other names: c.375-2A>G (NM_001407255.1).
Identifiers: ClinVar variation 850999 (VCV000850999.10), dbSNP rs2080765141, ClinGen allele CA402948062.

ClinVar aggregate classification (germline): Uncertain significance (1 of 4 stars; one submission).

Conditions:
Peutz-Jeghers syndrome (PJS). Also called: POLYPOSIS, HAMARTOMATOUS INTESTINAL; POLYPS-AND-SPOTS SYNDROME; Peutz-Jeghers polyposis; Periorificial lentiginosis syndrome. Identifiers: Orphanet 2869, MedGen C0031269, MeSH D010580, MONDO:0008280, OMIM 175200.

Submission:

Labcorp Genetics (formerly Invitae), Labcorp
Classification: Uncertain significance for Peutz-Jeghers syndrome. Last evaluated: 2019-12-31. Review status: criteria provided, single submitter. Criteria: Invitae Variant Classification Sherloc (09022015). Collection method: clinical testing. Allele origin: germline.
Comment: This sequence change falls in intron 2 of the STK11 gene. It does not directly change the encoded amino acid sequence of the STK11 protein, but it affects a nucleotide within the consensus splice site of the intron. This variant is not present in population databases (ExAC no frequency). This variant has been observed in an individual with Peutz-Jeghers syndrome (PMID: 15188174). This variant is also known as IVS2-2A>G in the literature. In summary, the available evidence is currently insufficient to determine the role of this variant in disease. Therefore, it has been classified as a Variant of Uncertain Significance. This variant affects a splice site of the intron 2, which has atypical splice acceptor sequences AC, instead of the canonical AG dinucleotides. Experimental studies and prediction algorithms are not available or were not evaluated, and the effect of this variant on mRNA splicing is currently unknown.

Literature cited by the submitters: PubMed 15188174.